The following is an entry in ClinVar:

NM_021813.4(BACH2):c.773G>A (p.Arg258Gln)

Gene: BACH2 (BACH transcriptional regulator 2; minus strand). Cytogenetic location: 6q15.
Variant type: single nucleotide variant.
Coding change: c.773G>A on transcript NM_021813.4 (MANE Select); coding-DNA position 773, G replaced by A.
Protein change: p.Arg258Gln; replaces arginine 258 with glutamine.
Molecular consequence: missense variant.
Genome position (GRCh38, 1-based): chr6:89,951,333, C>T on the plus strand (G>A on the coding strand, the complement: BACH2 is on the minus strand). VCF-style: chr6-89951333-C-T. GRCh37 (hg19) VCF-style: chr6-90661052-C-T.
Other names: c.773G>A, p.Arg258Gln (NM_001170794.2); c.773G>A (NM_021813.2); short protein forms R258Q.
Identifiers: ClinVar variation 2961216 (VCV002961216.4), dbSNP rs374916471, ClinGen allele CA3928112.

ClinVar aggregate classification (germline): Uncertain significance. Review status: criteria provided, multiple submitters, no conflicts (2 of 4 stars). 2 submissions from 2 submitters: Uncertain significance (2). Last evaluated 2025-02-02.

Allele frequency attached by ClinVar (database versions not stated): gnomAD exomes 0.00001; ExAC 0.00002; TOPMed 0.00002; gnomAD 0.00003; ESP Exome Variant Server 0.00008.

Submissions (2):

Labcorp Genetics (formerly Invitae), Labcorp
Classification: Uncertain significance. Last evaluated: 2025-02-02. Review status: criteria provided, single submitter. Criteria: Invitae Variant Classification Sherloc (09022015). Collection method: clinical testing. Allele origin: germline.
Comment: This sequence change replaces arginine, which is basic and polar, with glutamine, which is neutral and polar, at codon 258 of the BACH2 protein (p.Arg258Gln). This variant is present in population databases (rs374916471, gnomAD 0.006%). This variant has not been reported in the literature in individuals affected with BACH2-related conditions. ClinVar contains an entry for this variant (Variation ID: 2961216). Invitae Evidence Modeling of protein sequence and biophysical properties (such as structural, functional, and spatial information, amino acid conservation, physicochemical variation, residue mobility, and thermodynamic stability) indicates that this missense variant is not expected to disrupt BACH2 protein function with a negative predictive value of 80%. In summary, the available evidence is currently insufficient to determine the role of this variant in disease. Therefore, it has been classified as a Variant of Uncertain Significance.

Ambry Genetics
Classification: Uncertain significance. Last evaluated: 2023-11-06. Review status: criteria provided, single submitter. Criteria: Ambry Variant Classification Scheme 2023. Collection method: clinical testing. Allele origin: germline.